The following is an entry in ClinVar:

NM_000135.4(FANCA):c.2691C>A (p.His897Gln)

Genes: FANCA (FA complementation group A; minus strand), LOC130059837 (ATAC-STARR-seq lymphoblastoid active region 11420; plus strand). Cytogenetic location: 16q24.3.
Variant type: single nucleotide variant.
Coding change: c.2691C>A on transcript NM_000135.4 (MANE Select); coding-DNA position 2691, C replaced by A.
Protein change: p.His897Gln; replaces histidine 897 with glutamine.
Molecular consequence: missense variant.
Genome position (GRCh38, 1-based): chr16:89,764,977, G>T on the plus strand (C>A on the coding strand, the complement: FANCA is on the minus strand). VCF-style: chr16-89764977-G-T. GRCh37 (hg19) VCF-style: chr16-89831385-G-T.
Other names: c.2691C>A, p.His897Gln (NM_001286167.3); short protein forms H897Q.
Identifiers: ClinVar variation 4826931 (VCV004826931.1).

ClinVar aggregate classification (germline): Uncertain significance (1 of 4 stars; one submission).

Conditions:
Inborn genetic diseases. Identifiers: MedGen C0950123, MeSH D030342.

Submission:

Ambry Genetics
Classification: Uncertain significance for Inborn genetic diseases. Last evaluated: 2026-03-13. Review status: criteria provided, single submitter. Criteria: Ambry Variant Classification Scheme 2023. Collection method: clinical testing. Allele origin: germline.
Comment: The p.H897Q variant (also known as c.2691C>A), located in coding exon 28 of the FANCA gene, results from a C to A substitution at nucleotide position 2691. The histidine at codon 897 is replaced by glutamine, an amino acid with highly similar properties. This amino acid position is conserved. In addition, this alteration is predicted to be tolerated by in silico analysis. Based on the available evidence, the clinical significance of this variant remains unclear.